The following is an entry in ClinVar:

NM_000540.3(RYR1):c.14804-10G>A

Gene: RYR1 (ryanodine receptor 1; plus strand). Cytogenetic location: 19q13.2.
Variant type: single nucleotide variant.
Coding change: c.14804-10G>A on transcript NM_000540.3 (MANE Select); 10 bases into the intron before coding-DNA position 14804, G replaced by A.
Molecular consequence: intron variant.
Genome position (GRCh38, 1-based): chr19:38,585,928, G>A. VCF-style: chr19-38585928-G-A. GRCh37 (hg19) VCF-style: chr19-39076568-G-A.
Other names: c.14789-10G>A (NM_001042723.2).
Identifiers: ClinVar variation 3072209 (VCV003072209.2), dbSNP rs2514778537, ClinGen allele CA2576827584.
Genomic context (GRCh38, chr19:38,585,928, plus strand): 5'-AGGTAGCTGGAGAGGGGGGAGTCTGAACCAGGTCAGAGGTCGGGCACTGACTTGTGTCCT[G>A]CCACCCCAGGTCTGATCATCGACGCTTTTGGTGAGCTCCGAGACCAACAAGAGCAAGTGA-3'

ClinVar aggregate classification (germline): Likely benign. Review status: criteria provided, multiple submitters, no conflicts (2 of 4 stars). 2 submissions from 2 submitters: Likely benign (2). Last evaluated 2023-06-26.

Conditions:
Malignant hyperthermia, susceptibility to, 1 (MHS1). Also called: Anesthesia related hyperthermia; Malignant hyperpyrexia; Fulminating hyperpyrexia; Pharmacogenic myopathy; RYR1-Related Malignant Hyperthermia Susceptibility; Malignant hyperthermia suceptibility 1. Identifiers: Orphanet 423, MedGen C2930980, MONDO:0007783, OMIM 145600.

Allele frequency attached by ClinVar (database versions not stated): gnomAD exomes below 0.00001.
gnomAD v4.1: 1 of 1,614,016 alleles (0.000062%); highest among the groups gnomAD compares: Non-Finnish European, 0.000085%; no homozygotes.

Submissions (2):

All of Us Research Program, National Institutes of Health
Classification: Likely benign for Malignant hyperthermia, susceptibility to, 1. Last evaluated: 2023-06-26. Review status: criteria provided, single submitter. Criteria: ACMG Guidelines, 2015. Collection method: clinical testing. Allele origin: germline. Inheritance: Autosomal dominant inheritance. Observed: 1 variant allele, 1 heterozygote.
Comment: This study involves interpretation of variants in research participants for the purpose of population health screening. Participant phenotype was not available at the time of variant classification. Additional details can be found in publication PMID: 35346344, PMCID: PMC8962531

Color Diagnostics, LLC DBA Color Health
Classification: Likely benign for Malignant hyperthermia, susceptibility to, 1. Last evaluated: 2023-01-12. Review status: criteria provided, single submitter. Criteria: ACMG Guidelines, 2015. Collection method: clinical testing. Allele origin: germline.